The following is an entry in ClinVar:

NM_002576.5(PAK1):c.392A>G (p.Tyr131Cys)

Gene: PAK1 (p21 (RAC1) activated kinase 1; minus strand). Cytogenetic location: 11q13.5.
Variant type: single nucleotide variant.
Coding change: c.392A>G on transcript NM_002576.5 (MANE Select); coding-DNA position 392, A replaced by G.
Protein change: p.Tyr131Cys; replaces tyrosine 131 with cysteine.
Molecular consequence: missense variant. On other transcripts: non-coding transcript variant (2), intron variant (1).
Genome position (GRCh38, 1-based): chr11:77,379,288, T>C on the plus strand (A>G on the coding strand, the complement: PAK1 is on the minus strand). VCF-style: chr11-77379288-T-C. GRCh37 (hg19) VCF-style: chr11-77090333-T-C.
Other names: c.392A>G, p.Tyr131Cys (NM_001128620.2, NM_001376268.1, NM_001376269.1 and 26 more transcripts); c.413A>G, p.Tyr138Cys (NM_001376272.1); c.98A>G, p.Tyr33Cys (NM_001376302.1, NM_001376304.1, NM_001376305.1); c.191-4923A>G (NM_001376301.1); short protein forms Y131C, Y138C, Y33C.
Identifiers: ClinVar variation 587370 (VCV000587370.3), dbSNP rs1565638316, ClinGen allele CA382169543.

ClinVar aggregate classification (germline): Likely pathogenic. Review status: criteria provided, single submitter (1 of 4 stars). 2 submissions from 2 submitters: Likely pathogenic (1). 1 of the submissions does not count toward it. Last evaluated 2019-02-20.

Conditions:
Intellectual developmental disorder with macrocephaly, seizures, and speech delay. Identifiers: MedGen C4748428, MONDO:0032568, OMIM 618158.

Submissions (2):

SIB Swiss Institute of Bioinformatics
Classification: Likely pathogenic for Intellectual developmental disorder with macrocephaly, seizures, and speech delay. Last evaluated: 2019-02-20. Review status: criteria provided, single submitter. Criteria: ACMG Guidelines, 2015. Collection method: curation. Allele origin: unknown.
Comment: This variant is interpreted as a Likely pathogenic for Intellectual developmental disorder with macrocephaly, seizures, and speech delay, autosomal dominant. The following ACMG Tag(s) were applied: PM2, PP3, PM6, PS3.

OMIM
Classification: Pathogenic for INTELLECTUAL DEVELOPMENTAL DISORDER WITH MACROCEPHALY, SEIZURES, AND SPEECH DELAY. Last evaluated: 2018-10-31. Review status: no assertion criteria provided. Collection method: literature only. Allele origin: germline. Not counted in ClinVar's aggregate classification.

Literature cited by the submitters: PubMed 30290153 (cited by SIB Swiss Institute of Bioinformatics and OMIM).